The following is an entry in ClinVar:

ClinVar aggregate classification (germline): Uncertain significance (1 of 4 stars; one submission).

Conditions:
Gorlin syndrome. Also called: Nevoid Basal Cell Carcinoma Syndrome; Basal cell nevus syndrome. Identifiers: Orphanet 377, MedGen C0004779, MONDO:0007187.
Medulloblastoma (MDB). Also called: MEDULLOBLASTOMA PREDISPOSITION SYNDROME; Medulloblastoma, somatic. Identifiers: Orphanet 616, MedGen C0025149, MeSH D008527, MONDO:0007959, OMIM 155255, HP:0002885.

Submission:

Labcorp Genetics (formerly Invitae), Labcorp
Classification: Uncertain significance for Gorlin syndrome; Medulloblastoma. Last evaluated: 2025-01-30. Review status: criteria provided, single submitter. Criteria: Invitae Variant Classification Sherloc (09022015). Collection method: clinical testing. Allele origin: germline.
Comment: This sequence change replaces glutamic acid, which is acidic and polar, with aspartic acid, which is acidic and polar, at codon 310 of the SUFU protein (p.Glu310Asp). This variant is not present in population databases (gnomAD no frequency). This variant has not been reported in the literature in individuals affected with SUFU-related conditions. Invitae Evidence Modeling of protein sequence and biophysical properties (such as structural, functional, and spatial information, amino acid conservation, physicochemical variation, residue mobility, and thermodynamic stability) indicates that this missense variant is not expected to disrupt SUFU protein function with a negative predictive value of 80%. In summary, the available evidence is currently insufficient to determine the role of this variant in disease. Therefore, it has been classified as a Variant of Uncertain Significance.

NM_016169.4(SUFU):c.930G>C (p.Glu310Asp)

Gene: SUFU (SUFU negative regulator of hedgehog signaling; plus strand). Cytogenetic location: 10q24.32.
Variant type: single nucleotide variant.
Coding change: c.930G>C on transcript NM_016169.4 (MANE Select); coding-DNA position 930, G replaced by C.
Protein change: p.Glu310Asp; replaces glutamic acid 310 with aspartic acid.
Molecular consequence: missense variant.
Genome position (GRCh38, 1-based): chr10:102,599,452, G>C. VCF-style: chr10-102599452-G-C. GRCh37 (hg19) VCF-style: chr10-104359209-G-C.
Other names: c.930G>C, p.Glu310Asp (NM_001178133.2); short protein forms E310D.
Identifiers: ClinVar variation 4782581 (VCV004782581.1).